The following is an entry in ClinVar:

NM_017841.4(SDHAF2):c.36+1G>T

Gene: SDHAF2 (succinate dehydrogenase complex assembly factor 2; plus strand). Cytogenetic location: 11q12.2.
Variant type: single nucleotide variant.
Coding change: c.36+1G>T on transcript NM_017841.4 (MANE Select); the canonical splice donor site of the intron after coding-DNA position 36, G replaced by T.
Molecular consequence: splice donor variant.
Genome position (GRCh38, 1-based): chr11:61,430,183, G>T. VCF-style: chr11-61430183-G-T. GRCh37 (hg19) VCF-style: chr11-61197655-G-T.
Identifiers: ClinVar variation 1733088 (VCV001733088.2), dbSNP rs1173121367, ClinGen allele CA380680224.

ClinVar aggregate classification (germline): Uncertain significance (1 of 4 stars; one submission).

Conditions:
Hereditary cancer-predisposing syndrome. Also called: Neoplastic Syndromes, Hereditary; Tumor predisposition; Hereditary Cancer Syndrome; Hereditary neoplastic syndrome. Identifiers: Orphanet 140162, MedGen C0027672, MeSH D009386, MONDO:0015356.

Submission:

Ambry Genetics
Classification: Uncertain significance for Hereditary cancer-predisposing syndrome. Last evaluated: 2022-07-07. Review status: criteria provided, single submitter. Criteria: Ambry Variant Classification Scheme 2023. Collection method: clinical testing. Allele origin: germline.
Comment: The c.36+1G>T intronic variant results from a G to T substitution one nucleotide after coding exon 1 of the SDHAF2 gene. In silico splice site analysis predicts that this alteration will weaken the native splice donor site and may result in the creation or strengthening of a novel splice donor site; however direct evidence is not available at this time. The stop codon in the predicted resulting transcript occurs in the 5' end ofthe SDHAF2 gene. As such, this alteration may escape nonsense-mediated mRNAdecay and/or be prone to rescue by reinitiation (Rivas et al. Science. 2015 May 8;348(6235):666-9; Lindeboom et al. Nat Genet. 2016 Oct;48(10):1112-8; Rhee et al. Sci Rep. 2017 May 10;7(1):1653). Further, there is an in-frame methionine at codon 13, which may result in an alternative transcriptional start site. The exact functional effect of this alteration is unknown. This variant is considered to be rare based on population cohorts in the Genome Aggregation Database (gnomAD). This nucleotide position is highly conserved in available vertebrate species. Since supporting evidence is limited at this time, the clinical significance of this alteration remains unclear.